The following is an entry in ClinVar:

ClinVar aggregate classification (germline): Uncertain significance (1 of 4 stars; one submission).

Conditions:
Cardiac anomalies - developmental delay - facial dysmorphism syndrome (MRFACD). Also called: Impaired intellectual development and distinctive facial features with or without cardiac defects; MED13L Syndrome. Identifiers: Orphanet 369891, MedGen C5192431, MONDO:0014773, OMIM 616789.

Submission:

Human Genetics Bochum, Ruhr University Bochum
Classification: Uncertain significance for Cardiac anomalies - developmental delay - facial dysmorphism syndrome. Last evaluated: 2023-08-30. Review status: criteria provided, single submitter. Criteria: ACMG Guidelines, 2015. Collection method: clinical testing. Allele origin: germline. Affected: yes.
Comment: ACMG criteria used to clasify this variant: PP3_MOD, PM2_SUP

NM_015335.5(MED13L):c.539G>C (p.Ser180Thr)

Gene: MED13L (mediator complex subunit 13L; minus strand). Cytogenetic location: 12q24.21.
Variant type: single nucleotide variant.
Coding change: c.539G>C on transcript NM_015335.5 (MANE Select); coding-DNA position 539, G replaced by C.
Protein change: p.Ser180Thr; replaces serine 180 with threonine.
Molecular consequence: missense variant.
Genome position (GRCh38, 1-based): chr12:116,022,542, C>G on the plus strand (G>C on the coding strand, the complement: MED13L is on the minus strand). VCF-style: chr12-116022542-C-G. GRCh37 (hg19) VCF-style: chr12-116460347-C-G.
Other names: short protein forms S180T.
Identifiers: ClinVar variation 3027443 (VCV003027443.1), dbSNP rs1216800188, ClinGen allele CA386872308.